The following is an entry in ClinVar:

ClinVar aggregate classification (germline): Benign (1 of 4 stars; one submission).

Submission:

CeGaT Center for Human Genetics Tuebingen
Classification: Benign. Last evaluated: 2025-10-01. Review status: criteria provided, single submitter. Criteria: CeGaT Center For Human Genetics Tuebingen Variant Classification Criteria Version 2. Collection method: clinical testing. Allele origin: germline. Affected: yes. Observed: 1 variant allele.
Comment: MEOX1: BS1, BS2

NM_004527.4(MEOX1):c.*133_*151del

Gene: MEOX1 (mesenchyme homeobox 1; minus strand). Cytogenetic location: 17q21.31.
Variant type: Deletion.
Coding change: c.*133_*151del on transcript NM_004527.4 (MANE Select); 133 bases downstream of the stop codon through 151 bases downstream of the stop codon, 19 bases deleted (AAACTGCCCAGCATTCCTG).
Molecular consequence: 3 prime UTR variant.
Genome position (GRCh38, 1-based): chr17:43,641,759-43,641,777, CAGGAATGCTGGGCAGTTT deleted on the plus strand (AAACTGCCCAGCATTCCTG on the coding strand, the reverse complement: MEOX1 is on the minus strand); deleting any 19 consecutive bases within chr17:43,641,759-43,641,779 gives the same sequence; the c. name uses the placement nearest the transcript's 3' end. VCF-style (leftmost placement, unchanged base first): chr17-43641758-CCAGGAATGCTGGGCAGTTT-C. GRCh37 (hg19) VCF-style: chr17-41719126-CCAGGAATGCTGGGCAGTTT-C.
Other names: c.*133_*151del (NM_001040002.2); c.*170_*188del (NM_013999.4).
Identifiers: ClinVar variation 4533403 (VCV004533403.6).